The following is an entry in ClinVar:

NM_004525.3(LRP2):c.8702A>G (p.His2901Arg)

Gene: LRP2 (LDL receptor related protein 2; minus strand). Cytogenetic location: 2q31.1.
Variant type: single nucleotide variant.
Coding change: c.8702A>G on transcript NM_004525.3 (MANE Select); coding-DNA position 8702, A replaced by G.
Protein change: p.His2901Arg; replaces histidine 2901 with arginine.
Molecular consequence: missense variant.
Genome position (GRCh38, 1-based): chr2:169,193,889, T>C on the plus strand (A>G on the coding strand, the complement: LRP2 is on the minus strand). VCF-style: chr2-169193889-T-C. GRCh37 (hg19) VCF-style: chr2-170050399-T-C.
Other names: short protein forms H2901R.
Identifiers: ClinVar variation 332123 (VCV000332123.35), dbSNP rs886055083, ClinGen allele CA10611295.

ClinVar aggregate classification (germline): Uncertain significance. Review status: criteria provided, multiple submitters, no conflicts (2 of 4 stars). 7 submissions from 7 submitters: Uncertain significance (5). 2 of the submissions do not count toward it. Last evaluated 2025-08-06.

Conditions:
Donnai-Barrow syndrome. Also called: DBS/FOAR SYNDROME; FACIOOCULOACOUSTICORENAL SYNDROME. Identifiers: Orphanet 2143, MedGen C1857277, MONDO:0009104, OMIM 222448.
Inborn genetic diseases. Identifiers: MedGen C0950123, MeSH D030342.

Allele frequency attached by ClinVar (database versions not stated): gnomAD 0.00001; gnomAD exomes 0.00001 and 0.00002; TOPMed 0.00002.
gnomAD v4.1: 27 of 1,614,002 alleles (0.0017%); highest among the groups gnomAD compares: Middle Eastern, 0.25%; 1 homozygote.

Submissions (7):

Ambry Genetics
Classification: Uncertain significance for Inborn genetic diseases. Last evaluated: 2025-08-06. Review status: criteria provided, single submitter. Criteria: Ambry Variant Classification Scheme 2023. Collection method: clinical testing. Allele origin: germline.

Fulgent Genetics
Classification: Uncertain significance for Donnai-Barrow syndrome. Last evaluated: 2024-04-10. Review status: criteria provided, single submitter. Criteria: ACMG Guidelines, 2015. Collection method: clinical testing. Allele origin: germline.

CeGaT Center for Human Genetics Tuebingen
Classification: Uncertain significance. Last evaluated: 2022-10-01. Review status: criteria provided, single submitter. Criteria: CeGaT Center For Human Genetics Tuebingen Variant Classification Criteria Version 2. Collection method: clinical testing. Allele origin: germline. Affected: yes. Observed: 1 variant allele.
Comment: LRP2: PM2:Supporting, BP4

Labcorp Genetics (formerly Invitae), Labcorp
Classification: Uncertain significance. Last evaluated: 2022-08-22. Review status: criteria provided, single submitter. Criteria: Invitae Variant Classification Sherloc (09022015). Collection method: clinical testing. Allele origin: germline.
Comment: This sequence change replaces histidine, which is basic and polar, with arginine, which is basic and polar, at codon 2901 of the LRP2 protein (p.His2901Arg). This variant is present in population databases (no rsID available, gnomAD 0.0009%). This variant has not been reported in the literature in individuals affected with LRP2-related conditions. ClinVar contains an entry for this variant (Variation ID: 332123). Advanced modeling of protein sequence and biophysical properties (such as structural, functional, and spatial information, amino acid conservation, physicochemical variation, residue mobility, and thermodynamic stability) performed at Invitae indicates that this missense variant is not expected to disrupt LRP2 protein function. In summary, the available evidence is currently insufficient to determine the role of this variant in disease. Therefore, it has been classified as a Variant of Uncertain Significance.

Illumina Laboratory Services, Illumina
Classification: Uncertain significance for Donnai-Barrow syndrome. Last evaluated: 2018-01-13. Review status: criteria provided, single submitter. Criteria: ICSL Variant Classification Criteria 13 December 2019. Collection method: clinical testing. Allele origin: germline.

Clinical Genetics DNA and cytogenetics Diagnostics Lab, Erasmus MC, Erasmus Medical Center
Classification: Uncertain significance. Review status: no assertion criteria provided. Collection method: clinical testing. Allele origin: germline. Affected: yes. Study: VKGL Data-share Consensus. Not counted in ClinVar's aggregate classification.

Laboratory of Diagnostic Genome Analysis, Leiden University Medical Center (LUMC)
Classification: Uncertain significance. Review status: no assertion criteria provided. Collection method: clinical testing. Allele origin: germline. Affected: yes. Study: VKGL Data-share Consensus. Not counted in ClinVar's aggregate classification.